The following is an entry in ClinVar:

ClinVar aggregate classification (germline): Uncertain significance (1 of 4 stars; one submission).

Conditions:
Curry-Hall syndrome (WAD). Also called: WEYERS ACRODENTAL DYSOSTOSIS. Identifiers: Orphanet 952, MedGen C0457013, MONDO:0008673, OMIM 193530.
Ellis-van Creveld syndrome (EVC). Also called: MESOECTODERMAL DYSPLASIA; EVC-Related Ellis-van Creveld Syndrome; EVC2-Related Ellis-van Creveld Syndrome; Chondroectodermal dysplasia. Identifiers: Orphanet 289, MedGen C0013903, MONDO:0009162, OMIM 225500.

Allele frequency attached by ClinVar (database versions not stated): gnomAD exomes below 0.00001; ExAC 0.00001; TOPMed 0.00002.

Submission:

Labcorp Genetics (formerly Invitae), Labcorp
Classification: Uncertain significance for Curry-Hall syndrome; Ellis-van Creveld syndrome. Last evaluated: 2025-09-11. Review status: criteria provided, single submitter. Criteria: Invitae Variant Classification Sherloc (09022015). Collection method: clinical testing. Allele origin: germline.
Comment: This sequence change replaces asparagine, which is neutral and polar, with serine, which is neutral and polar, at codon 601 of the EVC2 protein (p.Asn601Ser). This variant is present in population databases (rs775815805, gnomAD 0.003%). This variant has not been reported in the literature in individuals affected with EVC2-related conditions. ClinVar contains an entry for this variant (Variation ID: 1433898). An algorithm developed to predict the effect of missense changes on protein structure and function outputs the following: PolyPhen-2: "Benign". The serine amino acid residue is found in multiple mammalian species, which suggests that this missense change does not adversely affect protein function. In summary, the available evidence is currently insufficient to determine the role of this variant in disease. Therefore, it has been classified as a Variant of Uncertain Significance.

NM_147127.5(EVC2):c.1802A>G (p.Asn601Ser)

Gene: EVC2 (EvC ciliary complex subunit 2; minus strand). Cytogenetic location: 4p16.2.
Variant type: single nucleotide variant.
Coding change: c.1802A>G on transcript NM_147127.5 (MANE Select); coding-DNA position 1802, A replaced by G.
Protein change: p.Asn601Ser; replaces asparagine 601 with serine.
Molecular consequence: missense variant.
Genome position (GRCh38, 1-based): chr4:5,628,643, T>C on the plus strand (A>G on the coding strand, the complement: EVC2 is on the minus strand). VCF-style: chr4-5628643-T-C. GRCh37 (hg19) VCF-style: chr4-5630370-T-C.
Other names: c.1562A>G, p.Asn521Ser (NM_001166136.2); short protein forms N521S, N601S.
Identifiers: ClinVar variation 1433898 (VCV001433898.8), dbSNP rs775815805, ClinGen allele CA2834933.